The following is an entry in ClinVar:

ClinVar aggregate classification (germline): Pathogenic (1 of 4 stars; one submission).

Conditions:
Achondrogenesis, type IA (ACG1A). Identifiers: Orphanet 932, Orphanet 93299, MedGen C0265273, MONDO:0008701, OMIM 200600.

Submission:

SIB Swiss Institute of Bioinformatics
Classification: Pathogenic for Achondrogenesis, type IA. Last evaluated: 2019-06-27. Review status: criteria provided, single submitter. Criteria: ACMG Guidelines, 2015. Collection method: curation. Allele origin: unknown.
Comment: This variant is interpreted as a Pathogenic for Achondrogenesis 1A, autosomal recessive. The following ACMG Tag(s) were applied: PM2, PVS1, PM3.

Literature cited by the submitters: PubMed 30728324.

NM_004239.4(TRIP11):c.4127C>A (p.Ser1376Ter)

Gene: TRIP11 (thyroid hormone receptor interactor 11; minus strand). Cytogenetic location: 14q32.12.
Variant type: single nucleotide variant.
Coding change: c.4127C>A on transcript NM_004239.4 (MANE Select); coding-DNA position 4127, C replaced by A.
Protein change: p.Ser1376Ter; replaces serine 1376 with a stop codon.
Molecular consequence: nonsense.
Genome position (GRCh38, 1-based): chr14:92,003,849, G>T on the plus strand (C>A on the coding strand, the complement: TRIP11 is on the minus strand). VCF-style: chr14-92003849-G-T. GRCh37 (hg19) VCF-style: chr14-92470193-G-T.
Other names: c.4124C>A, p.Ser1375Ter (NM_001321851.1); short protein forms S1375*, S1376*.
Identifiers: ClinVar variation 692173 (VCV000692173.1), dbSNP rs1045076800, ClinGen allele CA390650374.